The following is an entry in ClinVar:

NM_000038.6(APC):c.3758del (p.Ser1253fs)

Gene: APC (APC regulator of Wnt signaling pathway; plus strand). Cytogenetic location: 5q22.2.
Variant type: Deletion.
Coding change: c.3758del on transcript NM_000038.6 (MANE Select); coding-DNA position 3758, one base deleted (C; older notation c.3758delC).
Protein change: p.Ser1253fs; shifts the reading frame from serine 1253.
Molecular consequence: frameshift variant. On other transcripts: non-coding transcript variant (2).
Genome position (GRCh38, 1-based): chr5:112,839,352, C deleted. VCF-style (leftmost placement, unchanged base first): chr5-112839351-TC-T. GRCh37 (hg19) VCF-style: chr5-112175048-TC-T.
Other names: c.3758del, p.Ser1253fs (NM_001127510.3, NM_001354895.2, NM_001407450.1); c.3704del, p.Ser1235fs (NM_001127511.3); c.3812del, p.Ser1271fs (NM_001354896.2, NM_001407447.1, NM_001407448.1 and 1 more transcripts); c.3788del, p.Ser1263fs (NM_001354897.2); c.3683del, p.Ser1228fs (NM_001354898.2); c.3674del, p.Ser1225fs (NM_001354899.2); c.3635del, p.Ser1212fs (NM_001354900.2); c.3581del, p.Ser1194fs (NM_001354901.2, NM_001407453.1); and 11 more; short protein forms S1093fs, S1124fs, S1127fs, S1152fs, S1162fs, S1170fs, S1194fs, S1212fs.
Identifiers: ClinVar variation 2583825 (VCV002583825.1), dbSNP rs2533522243, ClinGen allele CA2582341534.

ClinVar aggregate classification (germline): Pathogenic (1 of 4 stars; one submission).

Conditions:
Familial adenomatous polyposis 1 (FAP1). Also called: FAMILIAL ADENOMATOUS POLYPOSIS 1, ATTENUATED; POLYPOSIS, ADENOMATOUS INTESTINAL. Identifiers: MedGen C2713442, MONDO:0021056, OMIM 175100. Disease mechanism: loss of function.

Submission:

Myriad Genetics, Inc.
Classification: Pathogenic for Familial adenomatous polyposis 1. Last evaluated: 2023-05-09. Review status: criteria provided, single submitter. Criteria: Myriad Autosomal Dominant, Autosomal Recessive and X-Linked Classification Criteria (2023). Collection method: clinical testing. Allele origin: unknown.
Comment: This variant is considered pathogenic. This variant creates a frameshift predicted to result in premature protein truncation.